The following is an entry in ClinVar:

ClinVar aggregate classification (germline): Uncertain significance (1 of 4 stars; one submission).

Submission:

Quest Diagnostics Nichols Institute San Juan Capistrano
Classification: Uncertain significance. Last evaluated: 2023-04-17. Review status: criteria provided, single submitter. Criteria: Quest Diagnostics criteria. Collection method: clinical testing. Allele origin: unknown.
Comment: This variant has not been reported in the published literature. It also has not been reported in large, multi-ethnic general populations. Analysis of this variant using bioinformatics tools for the prediction of the effect of amino acid changes on protein structure and function yielded predictions that this variant is benign. Based on the available information, we are unable to determine the clinical significance of this variant.

NM_000135.4(FANCA):c.2321C>A (p.Pro774Gln)

Gene: FANCA (FA complementation group A; minus strand). Cytogenetic location: 16q24.3.
Variant type: single nucleotide variant.
Coding change: c.2321C>A on transcript NM_000135.4 (MANE Select); coding-DNA position 2321, C replaced by A.
Protein change: p.Pro774Gln; replaces proline 774 with glutamine.
Molecular consequence: missense variant.
Genome position (GRCh38, 1-based): chr16:89,770,020, G>T on the plus strand (C>A on the coding strand, the complement: FANCA is on the minus strand). VCF-style: chr16-89770020-G-T. GRCh37 (hg19) VCF-style: chr16-89836428-G-T.
Other names: c.2321C>A, p.Pro774Gln (NM_001286167.3); short protein forms P774Q.
Identifiers: ClinVar variation 2681896 (VCV002681896.1), dbSNP rs759117757, ClinGen allele CA397444664.